The following is an entry in ClinVar:

NM_002474.3(MYH11):c.1262T>C (p.Val421Ala)

Gene: MYH11 (myosin heavy chain 11; minus strand). Cytogenetic location: 16p13.11.
Variant type: single nucleotide variant.
Coding change: c.1262T>C on transcript NM_002474.3 (MANE Select); coding-DNA position 1262, T replaced by C.
Protein change: p.Val421Ala; replaces valine 421 with alanine.
Molecular consequence: missense variant.
Genome position (GRCh38, 1-based): chr16:15,759,715, A>G on the plus strand (T>C on the coding strand, the complement: MYH11 is on the minus strand). VCF-style: chr16-15759715-A-G. GRCh37 (hg19) VCF-style: chr16-15853572-A-G.
Other names: c.1283T>C, p.Val428Ala (NM_001040113.2, NM_001040114.2); c.1262T>C, p.Val421Ala (NM_022844.3); c.1262T>C (NM_002474.2); short protein forms V421A, V428A.
Identifiers: ClinVar variation 3387241 (VCV003387241.4).
Genomic context (GRCh38, chr16:15,759,715, plus strand): 5'-TTCACGCGGGTGAGTATCCAGCGGAAAAGGCGCTCATATGTTGCCTTGGCCAAAGCCTCT[A>G]CAGCAAAGTCAGCCTGCAGAGGGCAACCAGGGGAACCCGGTTATTCTCAATGGGCTCCAT-3'
Protein context (NP_002465.1, residues 411-431): AQTKEQADFA[Val421Ala]EALAKATYER

ClinVar aggregate classification (germline): Uncertain significance. Review status: criteria provided, multiple submitters, no conflicts (2 of 4 stars). 3 submissions from 3 submitters: Uncertain significance (3). Last evaluated 2025-06-12.

Conditions:
Familial thoracic aortic aneurysm and aortic dissection (TAAD). Also called: Thoracic aortic aneurysms and dissections. Identifiers: Orphanet 91387, MedGen C4707243, MONDO:0019625.
Aortic aneurysm, familial thoracic 4 (AAT4). Also called: AORTIC ANEURYSM/AORTIC DISSECTION AND PATENT DUCTUS ARTERIOSUS. Identifiers: MedGen C1851504, MONDO:0007568, OMIM 132900.

gnomAD v4.1: 13 of 1,614,064 alleles (0.00081%); highest among the groups gnomAD compares: East Asian, 0.025%; no homozygotes.

Submissions (3):

Ambry Genetics
Classification: Uncertain significance for Familial thoracic aortic aneurysm and aortic dissection. Last evaluated: 2025-06-12. Review status: criteria provided, single submitter. Criteria: Ambry Variant Classification Scheme 2023. Collection method: clinical testing. Allele origin: germline.
Comment: The p.V421A variant (also known as c.1262T>C), located in coding exon 11 of the MYH11 gene, results from a T to C substitution at nucleotide position 1262. The valine at codon 421 is replaced by alanine, an amino acid with similar properties. This amino acid position is poorly conserved in available vertebrate species. In addition, this alteration is predicted to be tolerated by in silico analysis. Based on the available evidence, the clinical significance of this variant remains unclear.

All of Us Research Program, National Institutes of Health
Classification: Uncertain significance for Familial thoracic aortic aneurysm and aortic dissection. Last evaluated: 2024-09-23. Review status: criteria provided, single submitter. Criteria: ACMG Guidelines, 2015. Collection method: clinical testing. Allele origin: germline. Inheritance: Autosomal dominant inheritance. Observed: 1 variant allele, 1 heterozygote.
Comment: This study involves interpretation of variants in research participants for the purpose of population health screening. Participant phenotype was not available at the time of variant classification. Additional details can be found in publication PMID: 35346344, PMCID: PMC8962531

Labcorp Genetics (formerly Invitae), Labcorp
Classification: Uncertain significance for Aortic aneurysm, familial thoracic 4. Last evaluated: 2024-07-06. Review status: criteria provided, single submitter. Criteria: Invitae Variant Classification Sherloc (09022015). Collection method: clinical testing. Allele origin: germline.
Comment: This sequence change replaces valine, which is neutral and non-polar, with alanine, which is neutral and non-polar, at codon 428 of the MYH11 protein (p.Val428Ala). This variant is present in population databases (rs777822332, gnomAD 0.05%). This variant has not been reported in the literature in individuals affected with MYH11-related conditions. Advanced modeling of protein sequence and biophysical properties (such as structural, functional, and spatial information, amino acid conservation, physicochemical variation, residue mobility, and thermodynamic stability) performed at Invitae indicates that this missense variant is not expected to disrupt MYH11 protein function with a negative predictive value of 95%. In summary, the available evidence is currently insufficient to determine the role of this variant in disease. Therefore, it has been classified as a Variant of Uncertain Significance.